The following is an entry in ClinVar:

ClinVar aggregate classification (germline): Uncertain significance. Review status: criteria provided, multiple submitters, no conflicts (2 of 4 stars). 2 submissions from 2 submitters: Uncertain significance (2). Last evaluated 2024-10-02.

Conditions:
Inborn genetic diseases. Identifiers: MedGen C0950123, MeSH D030342.
Baller-Gerold syndrome (BGS). Also called: CRANIOSYNOSTOSIS WITH RADIAL DEFECTS. Identifiers: Orphanet 1225, MedGen C0265308, MONDO:0009039, OMIM 218600.

Allele frequency attached by ClinVar (database versions not stated): TOPMed below 0.00001; gnomAD 0.00001.

Submissions (2):

Ambry Genetics
Classification: Uncertain significance for Inborn genetic diseases. Last evaluated: 2024-10-02. Review status: criteria provided, single submitter. Criteria: Ambry Variant Classification Scheme 2023. Collection method: clinical testing. Allele origin: germline.
Comment: The p.S135C variant (also known as c.404C>G), located in coding exon 5 of the RECQL4 gene, results from a C to G substitution at nucleotide position 404. The serine at codon 135 is replaced by cysteine, an amino acid with dissimilar properties. This amino acid position is conserved. In addition, this alteration is predicted to be tolerated by in silico analysis. Based on the available evidence, the clinical significance of this variant remains unclear.

Labcorp Genetics (formerly Invitae), Labcorp
Classification: Uncertain significance for Baller-Gerold syndrome. Last evaluated: 2022-09-19. Review status: criteria provided, single submitter. Criteria: Invitae Variant Classification Sherloc (09022015). Collection method: clinical testing. Allele origin: germline.
Comment: This sequence change replaces serine, which is neutral and polar, with cysteine, which is neutral and slightly polar, at codon 135 of the RECQL4 protein (p.Ser135Cys). This variant is not present in population databases (gnomAD no frequency). This variant has not been reported in the literature in individuals affected with RECQL4-related conditions. ClinVar contains an entry for this variant (Variation ID: 1009818). Experimental studies and prediction algorithms are not available or were not evaluated, and the functional significance of this variant is currently unknown. In summary, the available evidence is currently insufficient to determine the role of this variant in disease. Therefore, it has been classified as a Variant of Uncertain Significance.

NM_004260.4(RECQL4):c.404C>G (p.Ser135Cys)

Gene: RECQL4 (RecQ like helicase 4; minus strand). Cytogenetic location: 8q24.3.
Variant type: single nucleotide variant.
Coding change: c.404C>G on transcript NM_004260.4 (MANE Select); coding-DNA position 404, C replaced by G.
Protein change: p.Ser135Cys; replaces serine 135 with cysteine.
Molecular consequence: missense variant.
Genome position (GRCh38, 1-based): chr8:144,516,715, G>C on the plus strand (C>G on the coding strand, the complement: RECQL4 is on the minus strand). VCF-style: chr8-144516715-G-C. GRCh37 (hg19) VCF-style: chr8-145742099-G-C.
Other names: c.404C>G (NM_004260.3); short protein forms S135C.
Identifiers: ClinVar variation 1009818 (VCV001009818.6), dbSNP rs748201614, ClinGen allele CA372691611.